The following is an entry in ClinVar:

ClinVar aggregate classification (germline): Likely benign. Review status: criteria provided, multiple submitters, no conflicts (2 of 4 stars). 6 submissions from 4 submitters: Likely benign (6). Last evaluated 2025-11-22.

Conditions:
Hypertrophic cardiomyopathy 2. Also called: TNNT2-Related Familial Hypertrophic Cardiomyopathy. Identifiers: MedGen C1861864, MONDO:0007266, OMIM 115195.
Dilated cardiomyopathy 1D. Identifiers: Orphanet 154, Orphanet 54260, MedGen C1832243, MONDO:0011095, OMIM 601494.
Cardiomyopathy, familial restrictive, 3. Identifiers: Orphanet 75249, MedGen C2676271, MONDO:0012900, OMIM 612422.
Cardiovascular phenotype. Identifiers: MedGen CN230736.
Cardiomyopathy (CMYO). Also called: Cardiomyopathies. Identifiers: Orphanet 167848, MedGen C0878544, MONDO:0004994, HP:0001638. Inheritance: Various modes of inheritance.

Allele frequency attached by ClinVar (database versions not stated): gnomAD exomes below 0.00001; TOPMed 0.00001.
gnomAD v4.1: 4 of 1,609,646 alleles (0.00025%); highest among the groups gnomAD compares: African/African-American, 0.0053%; no homozygotes.

Submissions (6):

Labcorp Genetics (formerly Invitae), Labcorp
Classification: Likely benign for Cardiomyopathy, familial restrictive, 3; Hypertrophic cardiomyopathy 2; Dilated cardiomyopathy 1D. Last evaluated: 2025-11-22. Review status: criteria provided, single submitter. Criteria: Invitae Variant Classification Sherloc (09022015). Collection method: clinical testing. Allele origin: germline.

All of Us Research Program, National Institutes of Health
Classification: Likely benign for Cardiomyopathy. Last evaluated: 2023-11-30. Review status: criteria provided, single submitter. Criteria: ACMG Guidelines, 2015. Collection method: clinical testing. Allele origin: germline. Inheritance: Autosomal dominant inheritance. Observed: 4 variant alleles, 4 heterozygotes.
Comment: This study involves interpretation of variants in research participants for the purpose of population health screening. Participant phenotype was not available at the time of variant classification. Additional details can be found in publication PMID: 35346344, PMCID: PMC8962531

Genome-Nilou Lab
Classification: Likely benign for Dilated cardiomyopathy 1D. Last evaluated: 2023-04-11. Review status: criteria provided, single submitter. Criteria: ACMG Guidelines, 2015. Collection method: clinical testing. Allele origin: germline. Affected: no.

Genome-Nilou Lab
Classification: Likely benign for Cardiomyopathy, familial restrictive, 3. Last evaluated: 2023-04-11. Review status: criteria provided, single submitter. Criteria: ACMG Guidelines, 2015. Collection method: clinical testing. Allele origin: germline. Affected: no.

Genome-Nilou Lab
Classification: Likely benign for Hypertrophic cardiomyopathy 2. Last evaluated: 2023-04-11. Review status: criteria provided, single submitter. Criteria: ACMG Guidelines, 2015. Collection method: clinical testing. Allele origin: germline. Affected: no.

Ambry Genetics
Classification: Likely benign for Cardiovascular phenotype. Last evaluated: 2021-06-24. Review status: criteria provided, single submitter. Criteria: Ambry Variant Classification Scheme 2023. Collection method: clinical testing. Allele origin: germline.

NM_001276345.2(TNNT2):c.897G>A (p.Ter299=)

Gene: TNNT2 (troponin T2, cardiac type; minus strand). Cytogenetic location: 1q32.1.
Variant type: single nucleotide variant.
Coding change: c.897G>A on transcript NM_001276345.2 (MANE Select); coding-DNA position 897, G replaced by A.
Protein change: p.Ter299=.
Molecular consequence: synonymous variant.
Genome position (GRCh38, 1-based): chr1:201,359,210, C>T on the plus strand (G>A on the coding strand, the complement: TNNT2 is on the minus strand). VCF-style: chr1-201359210-C-T. GRCh37 (hg19) VCF-style: chr1-201328338-C-T.
Other names: c.888G>A, p.Ter296= (NM_000364.4); c.867G>A, p.Ter289= (NM_001001430.3, NM_001276347.2); c.858G>A, p.Ter286= (NM_001001431.3); c.849G>A, p.Ter283= (NM_001001432.3); c.768G>A, p.Ter256= (NM_001276346.2).
Identifiers: ClinVar variation 1106650 (VCV001106650.12), dbSNP rs1311267989, ClinGen allele CA422527158.